The following is an entry in ClinVar:

ClinVar aggregate classification (germline): Uncertain significance (1 of 4 stars; one submission).

Conditions:
Cardiovascular phenotype. Identifiers: MedGen CN230736.

Submission:

Ambry Genetics
Classification: Uncertain significance for Cardiovascular phenotype. Last evaluated: 2024-05-06. Review status: criteria provided, single submitter. Criteria: Ambry Variant Classification Scheme 2023. Collection method: clinical testing. Allele origin: germline.
Comment: The p.I3433F variant (also known as c.10297A>T), located in coding exon 29 of the TNXB gene, results from an A to T substitution at nucleotide position 10297. The isoleucine at codon 3433 is replaced by phenylalanine, an amino acid with highly similar properties. This amino acid position is conserved. In addition, this alteration is predicted to be tolerated by in silico analysis. Based on the available evidence, the clinical significance of this variant remains unclear.

NM_001365276.2(TNXB):c.10303A>T (p.Ile3435Phe)

Genes: TNXB (tenascin XB; minus strand), LOC126859654 (P300/CBP strongly-dependent group 1 enhancer GRCh37_chr6:32014364-32015563; plus strand). Cytogenetic location: 6p21.33.
Variant type: single nucleotide variant.
Coding change: c.10303A>T on transcript NM_001365276.2 (MANE Select); coding-DNA position 10303, A replaced by T.
Protein change: p.Ile3435Phe; replaces isoleucine 3435 with phenylalanine.
Molecular consequence: missense variant.
Genome position (GRCh38, 1-based): chr6:32,047,755, T>A on the plus strand (A>T on the coding strand, the complement: TNXB is on the minus strand). VCF-style: chr6-32047755-T-A. GRCh37 (hg19) VCF-style: chr6-32015532-T-A.
Other names: c.10297A>T, p.Ile3433Phe (NM_019105.8); short protein forms I3433F, I3435F.
Identifiers: ClinVar variation 3327905 (VCV003327905.1).